The following is an entry in ClinVar:

NM_001369.3(DNAH5):c.5124G>T (p.Glu1708Asp)

Gene: DNAH5 (dynein axonemal heavy chain 5; minus strand). Cytogenetic location: 5p15.2.
Variant type: single nucleotide variant.
Coding change: c.5124G>T on transcript NM_001369.3 (MANE Select); coding-DNA position 5124, G replaced by T.
Protein change: p.Glu1708Asp; replaces glutamic acid 1708 with aspartic acid.
Molecular consequence: missense variant.
Genome position (GRCh38, 1-based): chr5:13,844,984, C>A on the plus strand (G>T on the coding strand, the complement: DNAH5 is on the minus strand). VCF-style: chr5-13844984-C-A. GRCh37 (hg19) VCF-style: chr5-13845093-C-A.
Other names: short protein forms E1708D.
Identifiers: ClinVar variation 2565916 (VCV002565916.2), dbSNP rs60163339, ClinGen allele CA359214499.

ClinVar aggregate classification (germline): Uncertain significance (1 of 4 stars; one submission).

Conditions:
Primary ciliary dyskinesia. Also called: Ciliary dyskinesia. Identifiers: Orphanet 244, MedGen C0008780, MONDO:0016575, HP:0012265.

Submission:

Ambry Genetics
Classification: Uncertain significance for Primary ciliary dyskinesia. Last evaluated: 2023-04-07. Review status: criteria provided, single submitter. Criteria: Ambry Variant Classification Scheme 2023. Collection method: clinical testing. Allele origin: germline.
Comment: The p.E1708D variant (also known as c.5124G>T), located in coding exon 32 of the DNAH5 gene, results from a G to T substitution at nucleotide position 5124. The glutamic acid at codon 1708 is replaced by aspartic acid, an amino acid with highly similar properties. This amino acid position is conserved. In addition, the in silico prediction for this alteration is inconclusive. Since supporting evidence is limited at this time, the clinical significance of this alteration remains unclear.